The following is an entry in ClinVar:

ClinVar aggregate classification (germline): Pathogenic. Review status: criteria provided, multiple submitters, no conflicts (2 of 4 stars). 4 submissions from 4 submitters: Pathogenic (4). Last evaluated 2024-10-29.

Conditions:
Neurofibromatosis, type 1 (NF1). Also called: Peripheral type neurofibromatosis; Neurofibromatosis, type I; NEUROFIBROMATOSIS, TYPE I, SOMATIC; VON RECKLINGHAUSEN DISEASE. Identifiers: Orphanet 636, MedGen C0027831, MONDO:0018975, OMIM 162200. Disease mechanism: loss of function.
NF1-related disorder. Also called: NF1-related condition. Identifiers: MedGen CN379171.

Submissions (4):

PreventionGenetics, part of Exact Sciences
Classification: Pathogenic for NF1-related condition. Last evaluated: 2024-10-29. Review status: criteria provided, single submitter. Criteria: ACMG Guidelines, 2015. Collection method: clinical testing. Allele origin: germline.
Comment: The NF1 c.2842C>T variant is predicted to result in premature protein termination (p.Gln948*). This variant has been reported in one individual with clinical features consistent with neurofibromatosis type 1 (Fahsold et al. 2000. PubMed ID: 10712197). This variant has not been reported in a large population database (gnomAD), indicating this variant is rare. Nonsense variants in NF1 are expected to be pathogenic. This variant is interpreted as pathogenic.

Labcorp Genetics (formerly Invitae), Labcorp
Classification: Pathogenic for Neurofibromatosis, type 1. Last evaluated: 2024-05-31. Review status: criteria provided, single submitter. Criteria: Invitae Variant Classification Sherloc (09022015). Collection method: clinical testing. Allele origin: germline.
Comment: This sequence change creates a premature translational stop signal (p.Gln948*) in the NF1 gene. It is expected to result in an absent or disrupted protein product. Loss-of-function variants in NF1 are known to be pathogenic (PMID: 10712197, 23913538). This variant is not present in population databases (gnomAD no frequency). This premature translational stop signal has been observed in individual(s) with neurofibromatosis type 1 (PMID: 10712197). ClinVar contains an entry for this variant (Variation ID: 618249). For these reasons, this variant has been classified as Pathogenic.

Genome-Nilou Lab
Classification: Pathogenic for Neurofibromatosis, type 1. Last evaluated: 2022-03-15. Review status: criteria provided, single submitter. Criteria: ACMG Guidelines, 2015. Collection method: clinical testing. Allele origin: germline. Affected: no.

ARUP Laboratories, Molecular Genetics and Genomics, ARUP Laboratories
Classification: Pathogenic. Last evaluated: 2017-06-06. Review status: criteria provided, single submitter. Criteria: ARUP Molecular Germline Variant Investigation Process. Collection method: clinical testing. Allele origin: germline.
Comment: The NF1 c.2842C>T; p.Gln948Ter variant induces an early termination codon and is predicted to result in a truncated protein or absent transcript. This variant has been reported in the literature in an individual with neurofibromatosis type 1 (Fahsold 2000), but is absent from general population databases (Exome Variant Server, Genome Aggregation Database). Taken together, this variant is considered pathogenic. REFERENCES Fahsold R et al. Minor lesion mutational spectrum of the entire NF1 gene does not explain its high mutability but points to a functional domain upstream of the GAP-related domain. Am J Hum Genet. 2000 Mar;66(3):790-818.

Literature cited by the submitters: PubMed 10712197 (cited by Labcorp Genetics (formerly Invitae), Labcorp); PubMed 23913538 (cited by Labcorp Genetics (formerly Invitae), Labcorp).

NM_001042492.3(NF1):c.2842C>T (p.Gln948Ter)

Gene: NF1 (neurofibromin 1; plus strand). Cytogenetic location: 17q11.2.
Variant type: single nucleotide variant.
Coding change: c.2842C>T on transcript NM_001042492.3 (MANE Select); coding-DNA position 2842, C replaced by T.
Protein change: p.Gln948Ter; replaces glutamine 948 with a stop codon.
Molecular consequence: nonsense.
Genome position (GRCh38, 1-based): chr17:31,229,457, C>T. VCF-style: chr17-31229457-C-T. GRCh37 (hg19) VCF-style: chr17-29556475-C-T.
Other names: c.2842C>T, p.Gln948Ter (NM_000267.4); short protein forms Q948*.
Identifiers: ClinVar variation 618249 (VCV000618249.16), dbSNP rs1567849237, ClinGen allele CA398985866.